The following is an entry in ClinVar:

ClinVar aggregate classification (germline): Uncertain significance (1 of 4 stars; one submission).

Submission:

GeneDx
Classification: Uncertain significance. Last evaluated: 2023-11-20. Review status: criteria provided, single submitter. Criteria: GeneDx Variant Classification Process June 2021. Collection method: clinical testing. Allele origin: germline. Affected: yes.
Comment: Has not been previously published as pathogenic or benign to our knowledge; Not observed at significant frequency in large population cohorts (gnomAD); In silico analysis supports that this missense variant has a deleterious effect on protein structure/function and suggests this variant may impact gene splicing; in the absence of RNA/functional studies, the actual effect of this sequence change is unknown

NM_001318852.2(MAPK8IP3):c.1918C>A (p.Arg640Ser)

Gene: MAPK8IP3 (mitogen-activated protein kinase 8 interacting protein 3; plus strand). Cytogenetic location: 16p13.3.
Variant type: single nucleotide variant.
Coding change: c.1918C>A on transcript NM_001318852.2 (MANE Select); coding-DNA position 1918, C replaced by A.
Protein change: p.Arg640Ser; replaces arginine 640 with serine.
Molecular consequence: missense variant.
Genome position (GRCh38, 1-based): chr16:1,763,676, C>A. VCF-style: chr16-1763676-C-A. GRCh37 (hg19) VCF-style: chr16-1813677-C-A.
Other names: c.1897C>A, p.Arg633Ser (NM_001040439.2); c.1915C>A, p.Arg639Ser (NM_015133.5); short protein forms R633S, R639S, R640S.
Identifiers: ClinVar variation 3364197 (VCV003364197.1).